The following is an entry in ClinVar:

ClinVar aggregate classification (germline): Uncertain significance (1 of 4 stars; one submission).

gnomAD v4.1: 3 of 1,602,990 alleles (0.00019%); highest among the groups gnomAD compares: Non-Finnish European, 0.00025%; no homozygotes.

Submission:

GeneDx
Classification: Uncertain significance. Last evaluated: 2023-05-30. Review status: criteria provided, single submitter. Criteria: GeneDx Variant Classification Process June 2021. Collection method: clinical testing. Allele origin: germline. Affected: yes.
Comment: Has not been previously published as pathogenic or benign to our knowledge; In silico analysis supports that this missense variant does not alter protein structure/function

NM_006766.5(KAT6A):c.2464A>G (p.Lys822Glu)

Gene: KAT6A (lysine acetyltransferase 6A; minus strand). Cytogenetic location: 8p11.21.
Variant type: single nucleotide variant.
Coding change: c.2464A>G on transcript NM_006766.5 (MANE Select); coding-DNA position 2464, A replaced by G.
Protein change: p.Lys822Glu; replaces lysine 822 with glutamic acid.
Molecular consequence: missense variant.
Genome position (GRCh38, 1-based): chr8:41,941,417, T>C on the plus strand (A>G on the coding strand, the complement: KAT6A is on the minus strand). VCF-style: chr8-41941417-T-C. GRCh37 (hg19) VCF-style: chr8-41798935-T-C.
Other names: short protein forms K822E.
Identifiers: ClinVar variation 3359264 (VCV003359264.1).